The following is an entry in ClinVar:

NM_001148.6(ANK2):c.6666C>A (p.Thr2222=)

Gene: ANK2 (ankyrin 2; plus strand). Cytogenetic location: 4q26.
Variant type: single nucleotide variant.
Coding change: c.6666C>A on transcript NM_001148.6 (MANE Select); coding-DNA position 6666, C replaced by A.
Protein change: p.Thr2222=; no amino-acid change (threonine 2222 retained).
Molecular consequence: synonymous variant. On other transcripts: intron variant (68).
Genome position (GRCh38, 1-based): chr4:113,355,284, C>A. VCF-style: chr4-113355284-C-A. GRCh37 (hg19) VCF-style: chr4-114276440-C-A.
Other names: c.4264+5035C>A (NM_001354245.2, NM_001354262.2, NM_001354275.2); c.4228+5035C>A (NM_001354268.2); c.4126+5035C>A (NM_001354273.2); c.4426+5035C>A (NM_020977.5); c.4483+5035C>A (NM_001386152.1); c.4504+5035C>A (NM_001354237.2); c.4405+5035C>A (NM_001354230.2); c.4468+5035C>A (NM_001354231.2, NM_001354242.2); and 35 more.
Identifiers: ClinVar variation 512908 (VCV000512908.21), dbSNP rs773101190, ClinGen allele CA3051455.

ClinVar aggregate classification (germline): Likely benign. Review status: criteria provided, multiple submitters, no conflicts (2 of 4 stars). 3 submissions from 3 submitters: Likely benign (3). Last evaluated 2024-03-12.

Conditions:
Long QT syndrome (LQTS). Identifiers: MedGen C0023976, MeSH D008133, MONDO:0002442. Disease mechanism: loss of function. Inheritance: Various modes of inheritance.
Cardiovascular phenotype. Identifiers: MedGen CN230736.

Allele frequency attached by ClinVar (database versions not stated): ExAC 0.00001; gnomAD 0.00001; gnomAD exomes 0.00001; TOPMed 0.00002.
gnomAD v4.1: 19 of 1,613,812 alleles (0.0012%); highest among the groups gnomAD compares: Non-Finnish European, 0.0016%; no homozygotes.

Submissions (3):

Labcorp Genetics (formerly Invitae), Labcorp
Classification: Likely benign for Long QT syndrome. Last evaluated: 2024-03-12. Review status: criteria provided, single submitter. Criteria: Invitae Variant Classification Sherloc (09022015). Collection method: clinical testing. Allele origin: germline.

Ambry Genetics
Classification: Likely benign for Cardiovascular phenotype. Last evaluated: 2021-02-03. Review status: criteria provided, single submitter. Criteria: Ambry Variant Classification Scheme 2023. Collection method: clinical testing. Allele origin: germline.

GeneDx
Classification: Likely benign. Last evaluated: 2017-10-24. Review status: criteria provided, single submitter. Criteria: GeneDx Variant Classification (06012015). Collection method: clinical testing. Allele origin: germline. Affected: yes.
Comment: This variant is considered likely benign or benign based on one or more of the following criteria: it is a conservative change, it occurs at a poorly conserved position in the protein, it is predicted to be benign by multiple in silico algorithms, and/or has population frequency not consistent with disease.